The following is an entry in ClinVar:

NM_000091.5(COL4A3):c.21dup (p.Arg8fs)

Genes: COL4A3 (collagen type IV alpha 3 chain; plus strand), LOC129935730 (ATAC-STARR-seq lymphoblastoid silent region 12397; plus strand). Cytogenetic location: 2q36.3.
Variant type: Duplication.
Coding change: c.21dup on transcript NM_000091.5 (MANE Select); coding-DNA position 21, one base duplicated (C; older notation c.21dupC).
Protein change: p.Arg8fs; shifts the reading frame from arginine 8.
Molecular consequence: frameshift variant.
Genome position (GRCh38, 1-based): chr2:227,164,747, C duplicated; the last of 5 consecutive C bases (chr2:227,164,743-227,164,747); duplicating any one gives the same sequence. VCF-style (leftmost placement, unchanged base first): chr2-227164742-G-GC. GRCh37 (hg19) VCF-style: chr2-228029458-G-GC.
Other names: short protein forms R8fs.
Identifiers: ClinVar variation 3639477 (VCV003639477.3).

ClinVar aggregate classification (germline): Pathogenic. Review status: criteria provided, multiple submitters, no conflicts (2 of 4 stars). 2 submissions from 2 submitters: Pathogenic (2). Last evaluated 2025-07-20.

Conditions:
Alport syndrome. Also called: Hemorrhagic familial nephritis; Hemorrhagic hereditary nephritis; Congenital hereditary hematuria. Identifiers: Orphanet 63, MedGen C1567741, MONDO:0018965.

Submissions (2):

Myriad Genetics, Inc.
Classification: Pathogenic for Alport syndrome. Last evaluated: 2025-07-20. Review status: criteria provided, single submitter. Criteria: Myriad Autosomal Dominant, Autosomal Recessive and X-Linked Classification Criteria (2023). Collection method: clinical testing. Allele origin: unknown.
Comment: NM_000091.4(COL4A3):c.21dupC(R8Qfs*27) is expected to be pathogenic in the context of Alport syndrome, COL4A3-related. This variant is predicted to lead to an abnormal or absent protein product due to the creation of a premature termination codon in COL4A3, a gene where loss-of-function variants are known to be pathogenic. Please note: this variant was assessed in the context of healthy population screening.

Labcorp Genetics (formerly Invitae), Labcorp
Classification: Pathogenic. Last evaluated: 2024-02-07. Review status: criteria provided, single submitter. Criteria: Invitae Variant Classification Sherloc (09022015). Collection method: clinical testing. Allele origin: germline.
Comment: This sequence change creates a premature translational stop signal (p.Arg8Glnfs*27) in the COL4A3 gene. It is expected to result in an absent or disrupted protein product. Loss-of-function variants in COL4A3 are known to be pathogenic (PMID: 8956999, 24854265, 26809805, 27281700). This variant is not present in population databases (gnomAD no frequency). This variant has not been reported in the literature in individuals affected with COL4A3-related conditions. For these reasons, this variant has been classified as Pathogenic.

Literature cited by the submitters: PubMed 8956999 (cited by Labcorp Genetics (formerly Invitae), Labcorp); PubMed 24854265 (cited by Labcorp Genetics (formerly Invitae), Labcorp); PubMed 26809805 (cited by Labcorp Genetics (formerly Invitae), Labcorp); PubMed 27281700 (cited by Labcorp Genetics (formerly Invitae), Labcorp).